The following is an entry in ClinVar:

NM_024753.5(TTC21B):c.244_248del (p.Lys82fs)

Gene: TTC21B (tetratricopeptide repeat domain 21B; minus strand). Cytogenetic location: 2q24.3.
Variant type: Deletion.
Coding change: c.244_248del on transcript NM_024753.5 (MANE Select); coding-DNA positions 244 to 248, 5 bases deleted (AAAAT; older notation c.244_248delAAAAT).
Protein change: p.Lys82fs; shifts the reading frame from lysine 82.
Molecular consequence: frameshift variant.
Genome position (GRCh38, 1-based): chr2:165,949,408-165,949,412, ATTTT deleted on the plus strand (AAAAT on the coding strand, the reverse complement: TTC21B is on the minus strand); deleting any 5 consecutive bases within chr2:165,949,408-165,949,414 gives the same sequence; the c. name uses the placement nearest the transcript's 3' end. VCF-style (leftmost placement, unchanged base first): chr2-165949407-CATTTT-C. GRCh37 (hg19) VCF-style: chr2-166805917-CATTTT-C.
Other names: short protein forms K82fs.
Identifiers: ClinVar variation 2026911 (VCV002026911.4), dbSNP rs773543112, ClinGen allele CA1942509.

ClinVar aggregate classification (germline): Pathogenic (1 of 4 stars; one submission).

Conditions:
Jeune thoracic dystrophy. Also called: Jeune syndrome; Infantile thoracic dystrophy; Thoracic pelvic phalangeal dystrophy; Jeune's syndrome; Chondroectodermal dysplasia-like syndrome; Short-rib thoracic dysplasia. Identifiers: Orphanet 474, MedGen C0265275, MONDO:0018770.
Nephronophthisis. Also called: Juvenile Nephronophthisis. Identifiers: Orphanet 655, MedGen C0687120, MONDO:0019005, HP:0000090.

Submission:

Labcorp Genetics (formerly Invitae), Labcorp
Classification: Pathogenic for Jeune thoracic dystrophy; Nephronophthisis. Last evaluated: 2022-08-24. Review status: criteria provided, single submitter. Criteria: Invitae Variant Classification Sherloc (09022015). Collection method: clinical testing. Allele origin: germline.
Comment: This sequence change creates a premature translational stop signal (p.Lys82Glufs*3) in the TTC21B gene. It is expected to result in an absent or disrupted protein product. Loss-of-function variants in TTC21B are known to be pathogenic (PMID: 18327258, 21068128, 21258341, 23559409, 24876116, 25492405, 27491411, 29068549). This variant is present in population databases (rs773543112, gnomAD 0.003%). This variant has not been reported in the literature in individuals affected with TTC21B-related conditions. For these reasons, this variant has been classified as Pathogenic.

Literature cited by the submitters: PubMed 18327258; PubMed 21068128; PubMed 21258341; PubMed 23559409; PubMed 24876116; PubMed 25492405; PubMed 27491411; PubMed 29068549.